The following is an entry in ClinVar:

NM_133433.4(NIPBL):c.3433C>T (p.Arg1145Cys)

Gene: NIPBL (NIPBL cohesin loading factor; plus strand). Cytogenetic location: 5p13.2.
Variant type: single nucleotide variant.
Coding change: c.3433C>T on transcript NM_133433.4 (MANE Select); coding-DNA position 3433, C replaced by T.
Protein change: p.Arg1145Cys; replaces arginine 1145 with cysteine.
Molecular consequence: missense variant.
Genome position (GRCh38, 1-based): chr5:37,000,501, C>T. VCF-style: chr5-37000501-C-T. GRCh37 (hg19) VCF-style: chr5-37000603-C-T.
Other names: c.3433C>T, p.Arg1145Cys (NM_015384.5); c.3433C>T (NM_133433.3); short protein forms R1145C.
Identifiers: ClinVar variation 3592285 (VCV003592285.4).

ClinVar aggregate classification (germline): Uncertain significance. Review status: criteria provided, multiple submitters, no conflicts (2 of 4 stars). 3 submissions from 3 submitters: Uncertain significance (3). Last evaluated 2025-03-14.

Conditions:
Cornelia de Lange syndrome 1 (CDLS1). Also called: TYPUS DEGENERATIVUS AMSTELODAMENSIS; Brachmann de Lange syndrome; NIPBL-Related Cornelia de Lange Syndrome. Identifiers: Orphanet 199, MedGen C4551851, MONDO:0007387, OMIM 122470.
Inborn genetic diseases. Identifiers: MedGen C0950123, MeSH D030342.

gnomAD v4.1: 2 of 1,613,330 alleles (0.00012%); highest among the groups gnomAD compares: Non-Finnish European, 0.00017%; no homozygotes.

Submissions (3):

Ambry Genetics
Classification: Uncertain significance for Inborn genetic diseases. Last evaluated: 2025-03-14. Review status: criteria provided, single submitter. Criteria: Ambry Variant Classification Scheme 2023. Collection method: clinical testing. Allele origin: germline.

Labcorp Genetics (formerly Invitae), Labcorp
Classification: Uncertain significance for Cornelia de Lange syndrome 1. Last evaluated: 2024-05-18. Review status: criteria provided, single submitter. Criteria: Invitae Variant Classification Sherloc (09022015). Collection method: clinical testing. Allele origin: germline.
Comment: This sequence change replaces arginine, which is basic and polar, with cysteine, which is neutral and slightly polar, at codon 1145 of the NIPBL protein (p.Arg1145Cys). This variant is present in population databases (rs371871116, gnomAD 0.0009%). This variant has not been reported in the literature in individuals affected with NIPBL-related conditions. Advanced modeling of protein sequence and biophysical properties (such as structural, functional, and spatial information, amino acid conservation, physicochemical variation, residue mobility, and thermodynamic stability) has been performed at Invitae for this missense variant, however the output from this modeling did not meet the statistical confidence thresholds required to predict the impact of this variant on NIPBL protein function. In summary, the available evidence is currently insufficient to determine the role of this variant in disease. Therefore, it has been classified as a Variant of Uncertain Significance.

Fulgent Genetics
Classification: Uncertain significance for Cornelia de Lange syndrome 1. Last evaluated: 2024-02-20. Review status: criteria provided, single submitter. Criteria: ACMG Guidelines, 2015. Collection method: clinical testing. Allele origin: germline.